The following is an entry in ClinVar:

ClinVar aggregate classification (germline): Uncertain significance (1 of 4 stars; one submission).

gnomAD v4.1: 1 of 1,600,610 alleles (0.000062%); highest among the groups gnomAD compares: Non-Finnish European, 0.000085%; no homozygotes.

Submission:

Labcorp Genetics (formerly Invitae), Labcorp
Classification: Uncertain significance. Last evaluated: 2025-11-12. Review status: criteria provided, single submitter. Criteria: Invitae Variant Classification Sherloc (09022015). Collection method: clinical testing. Allele origin: germline.
Comment: This sequence change falls in intron 4 of the ANKRD26 gene. It does not directly change the encoded amino acid sequence of the ANKRD26 protein. It affects a nucleotide within the consensus splice site. This variant is not present in population databases (gnomAD no frequency). This variant has not been reported in the literature in individuals affected with ANKRD26-related conditions. Variants that disrupt the consensus splice site are a relatively common cause of aberrant splicing (PMID: 17576681, 9536098). Algorithms developed to predict the effect of sequence changes on RNA splicing suggest that this variant is not likely to affect RNA splicing. In summary, the available evidence is currently insufficient to determine the role of this variant in disease. Therefore, it has been classified as a Variant of Uncertain Significance.

Literature cited by the submitters: PubMed 17576681; PubMed 9536098.

NM_014915.3(ANKRD26):c.639-3T>C

Gene: ANKRD26 (ankyrin repeat domain 26; minus strand). Cytogenetic location: 10p12.1.
Variant type: single nucleotide variant.
Coding change: c.639-3T>C on transcript NM_014915.3 (MANE Select); 3 bases into the intron before coding-DNA position 639, T replaced by C.
Molecular consequence: intron variant.
Genome position (GRCh38, 1-based): chr10:27,086,612, A>G on the plus strand (T>C on the coding strand, the complement: ANKRD26 is on the minus strand). VCF-style: chr10-27086612-A-G. GRCh37 (hg19) VCF-style: chr10-27375541-A-G.
Other names: c.639-3T>C (NM_001256053.2).
Identifiers: ClinVar variation 4708960 (VCV004708960.1).